The following is an entry in ClinVar:

NM_002291.3(LAMB1):c.458C>T (p.Ser153Leu)

Gene: LAMB1 (laminin subunit beta 1; minus strand). Cytogenetic location: 7q31.1.
Variant type: single nucleotide variant.
Coding change: c.458C>T on transcript NM_002291.3 (MANE Select); coding-DNA position 458, C replaced by T.
Protein change: p.Ser153Leu; replaces serine 153 with leucine.
Molecular consequence: missense variant.
Genome position (GRCh38, 1-based): chr7:107,986,329, G>A on the plus strand (C>T on the coding strand, the complement: LAMB1 is on the minus strand). VCF-style: chr7-107986329-G-A. GRCh37 (hg19) VCF-style: chr7-107626774-G-A.
Other names: short protein forms S153L.
Identifiers: ClinVar variation 2105561 (VCV002105561.4), dbSNP rs774870882, ClinGen allele CA164271923.

ClinVar aggregate classification (germline): Uncertain significance (1 of 4 stars; one submission).

Allele frequency attached by ClinVar (database versions not stated): gnomAD exomes 0.00001.
gnomAD v4.1: 9 of 1,608,408 alleles (0.00056%); highest among the groups gnomAD compares: Admixed American, 0.0017%; no homozygotes.

Submission:

Labcorp Genetics (formerly Invitae), Labcorp
Classification: Uncertain significance. Last evaluated: 2025-03-17. Review status: criteria provided, single submitter. Criteria: Invitae Variant Classification Sherloc (09022015). Collection method: clinical testing. Allele origin: germline.
Comment: This sequence change replaces serine, which is neutral and polar, with leucine, which is neutral and non-polar, at codon 153 of the LAMB1 protein (p.Ser153Leu). This variant is present in population databases (rs774870882, gnomAD 0.0009%). This variant has not been reported in the literature in individuals affected with LAMB1-related conditions. ClinVar contains an entry for this variant (Variation ID: 2105561). An algorithm developed to predict the effect of missense changes on protein structure and function (PolyPhen-2) suggests that this variant is likely to be disruptive. In summary, the available evidence is currently insufficient to determine the role of this variant in disease. Therefore, it has been classified as a Variant of Uncertain Significance.